The following is an entry in ClinVar:

NM_033305.3(VPS13A):c.9219C>G (p.Tyr3073Ter)

Gene: VPS13A (vacuolar protein sorting 13 homolog A; plus strand). Cytogenetic location: 9q21.2.
Variant type: single nucleotide variant.
Coding change: c.9219C>G on transcript NM_033305.3 (MANE Select); coding-DNA position 9219, C replaced by G.
Protein change: p.Tyr3073Ter; replaces tyrosine 3073 with a stop codon.
Molecular consequence: nonsense.
Genome position (GRCh38, 1-based): chr9:77,403,265, C>G. VCF-style: chr9-77403265-C-G. GRCh37 (hg19) VCF-style: chr9-80018181-C-G.
Other names: c.9102C>G, p.Tyr3034Ter (NM_001018037.2); c.9219C>G (NM_033305.2); short protein forms Y3034*, Y3073*.
Identifiers: ClinVar variation 2735283 (VCV002735283.5), dbSNP rs1834465099, ClinGen allele CA373853823.

ClinVar aggregate classification (germline): Pathogenic/Likely pathogenic. Review status: criteria provided, multiple submitters, no conflicts (2 of 4 stars). 3 submissions from 3 submitters: Pathogenic (2); Likely pathogenic (1). Last evaluated 2026-02-09.

Conditions:
VPS13A-related neurodegenerative disease. Also called: VPS13A Disease; LEVINE-CRITCHLEY SYNDROME; Choreoacanthocytosis; Chorea-acanthocytosis; ACANTHOCYTOSIS WITH NEUROLOGIC DISORDER; Choreaacanthocytosis. Identifiers: Orphanet 2388, MedGen C0393576, MONDO:0008695, OMIM 200150.

Allele frequency attached by ClinVar (database versions not stated): gnomAD exomes below 0.00001.

Submissions (3):

GeneDx
Classification: Likely pathogenic. Last evaluated: 2026-02-09. Review status: criteria provided, single submitter. Criteria: GeneDx Variant Classification Process June 2021. Collection method: clinical testing. Allele origin: germline.
Comment: Observed with a second VPS13A variant, phase not specified, in a patient with chorea-acanthocytosis in published literature (PMID: 12404112); Nonsense variant predicted to result in protein truncation or nonsense mediated decay in a gene for which loss of function is a known mechanism of disease; Not observed at significant frequency in large population cohorts (gnomAD); This variant is associated with the following publications: (PMID: 25525159, 21598378, 12404112)

Myriad Genetics, Inc.
Classification: Pathogenic for VPS13A-related neurodegenerative disease. Last evaluated: 2024-05-14. Review status: criteria provided, single submitter. Criteria: Myriad Autosomal Dominant, Autosomal Recessive and X-Linked Classification Criteria (2023). Collection method: clinical testing. Allele origin: unknown.
Comment: NM_033305.2(VPS13A):c.9219C>G(Y3073*) is expected to be pathogenic in the context of VPS13A disease. This variant is predicted to lead to an abnormal or absent protein product due to the creation of a premature termination codon in VPS13A, a gene where loss-of-function variants are known to be pathogenic. Please note: this variant was assessed in the context of healthy population screening.

Labcorp Genetics (formerly Invitae), Labcorp
Classification: Pathogenic. Last evaluated: 2023-07-30. Review status: criteria provided, single submitter. Criteria: Invitae Variant Classification Sherloc (09022015). Collection method: clinical testing. Allele origin: germline.
Comment: For these reasons, this variant has been classified as Pathogenic. This premature translational stop signal has been observed in individual(s) with chorea-acanthocytosis (PMID: 12404112). This variant is not present in population databases (gnomAD no frequency). This sequence change creates a premature translational stop signal (p.Tyr3073*) in the VPS13A gene. It is expected to result in an absent or disrupted protein product. Loss-of-function variants in VPS13A are known to be pathogenic (PMID: 12404112, 21598378).

Literature cited by the submitters: PubMed 12404112 (cited by Labcorp Genetics (formerly Invitae), Labcorp); PubMed 21598378 (cited by Labcorp Genetics (formerly Invitae), Labcorp).